The following is an entry in ClinVar:

ClinVar aggregate classification (germline): Uncertain significance. Review status: criteria provided, multiple submitters, no conflicts (2 of 4 stars). 2 submissions from 2 submitters: Uncertain significance (2). Last evaluated 2025-07-18.

Conditions:
Hereditary cancer-predisposing syndrome. Also called: Neoplastic Syndromes, Hereditary; Tumor predisposition; Hereditary neoplastic syndrome; Hereditary Cancer Syndrome. Identifiers: Orphanet 140162, MedGen C0027672, MeSH D009386, MONDO:0015356.

Submissions (2):

Ambry Genetics
Classification: Uncertain significance for Hereditary cancer-predisposing syndrome. Last evaluated: 2025-07-18. Review status: criteria provided, single submitter. Criteria: Ambry Variant Classification Scheme 2023. Collection method: clinical testing. Allele origin: germline.
Comment: The p.L1564R variant (also known as c.4691T>G), located in coding exon 32 of the SMARCA4 gene, results from a T to G substitution at nucleotide position 4691. The leucine at codon 1564 is replaced by arginine, an amino acid with dissimilar properties. This amino acid position is highly conserved in available vertebrate species. In addition, this alteration is predicted to be deleterious by in silico analysis. Based on the available evidence, the clinical significance of this variant remains unclear.

GeneDx
Classification: Uncertain significance. Last evaluated: 2022-06-30. Review status: criteria provided, single submitter. Criteria: GeneDx Variant Classification Process June 2021. Collection method: clinical testing. Allele origin: germline. Affected: yes.
Comment: Not observed at significant frequency in large population cohorts (gnomAD); In silico analysis supports that this missense variant has a deleterious effect on protein structure/function; Has not been previously published as pathogenic or benign to our knowledge; This variant is associated with the following publications: (PMID: 24658002)

NM_003072.5(SMARCA4):c.4595T>G (p.Leu1532Arg)

Gene: SMARCA4 (SWI/SNF related BAF chromatin remodeling complex subunit ATPase 4; plus strand). Cytogenetic location: 19p13.2.
Variant type: single nucleotide variant.
Coding change: c.4595T>G on transcript NM_003072.5 (MANE Select); coding-DNA position 4595, T replaced by G.
Protein change: p.Leu1532Arg; replaces leucine 1532 with arginine.
Molecular consequence: missense variant. On other transcripts: non-coding transcript variant (1).
Genome position (GRCh38, 1-based): chr19:11,058,849, T>G. VCF-style: chr19-11058849-T-G. GRCh37 (hg19) VCF-style: chr19-11169525-T-G.
Other names: c.4595T>G, p.Leu1532Arg (NM_001128844.3); c.4505T>G, p.Leu1502Arg (NM_001128845.2); c.4502T>G, p.Leu1501Arg (NM_001128846.2); c.4496T>G, p.Leu1499Arg (NM_001128847.4, NM_001374457.1); c.4493T>G, p.Leu1498Arg (NM_001128848.2); c.4691T>G, p.Leu1564Arg (NM_001128849.3); short protein forms L1499R, L1501R, L1498R, L1532R, L1564R, L1502R.
Identifiers: ClinVar variation 825103 (VCV000825103.6), dbSNP rs1600635802, ClinGen allele CA404078967.